The following is an entry in ClinVar:

NM_001282933.2(ZNF341):c.366G>A (p.Pro122=)

Gene: ZNF341 (zinc finger protein 341; plus strand). Cytogenetic location: 20q11.22.
Variant type: single nucleotide variant.
Coding change: c.366G>A on transcript NM_001282933.2 (MANE Select); coding-DNA position 366, G replaced by A.
Protein change: p.Pro122=; no amino-acid change (proline 122 retained).
Molecular consequence: synonymous variant. On other transcripts: non-coding transcript variant (1).
Genome position (GRCh38, 1-based): chr20:33,748,949, G>A. VCF-style: chr20-33748949-G-A. GRCh37 (hg19) VCF-style: chr20-32336755-G-A.
Other names: p.Pro122=; c.96G>A, p.Pro32= (NM_001282935.2); c.366G>A, p.Pro122= (NM_032819.5); c.366G>A (NM_001282933.1).
Identifiers: ClinVar variation 1168992 (VCV001168992.15), dbSNP rs75946243, ClinGen allele CA9819151.

ClinVar aggregate classification (germline): Benign. Review status: criteria provided, multiple submitters, no conflicts (2 of 4 stars). 6 submissions from 6 submitters: Benign (5). 1 of the submissions does not count toward it. Last evaluated 2026-02-04.

Conditions:
ZNF341-related disorder. Also called: ZNF341-related condition.
Hyper-IgE recurrent infection syndrome 3, autosomal recessive. Also called: HYPER-IgE SYNDROME 3, AUTOSOMAL RECESSIVE, WITH RECURRENT INFECTIONS; Autosomal recessive hyper-IgE syndrome due to ZNF341 deficiency. Identifiers: Orphanet 641368, MedGen C4748969, MONDO:0032654, OMIM 618282.

Allele frequency attached by ClinVar (database versions not stated): ESP Exome Variant Server 0.00031; gnomAD 0.00643 and 0.00747; TOPMed 0.00916; ExAC 0.01226; 1000 Genomes Project 30x 0.01686; 1000 Genomes Project 0.01817.

Submissions (6):

Labcorp Genetics (formerly Invitae), Labcorp
Classification: Benign. Last evaluated: 2026-02-04. Review status: criteria provided, single submitter. Criteria: Invitae Variant Classification Sherloc (09022015). Collection method: clinical testing. Allele origin: germline.

Women's Health and Genetics/Laboratory Corporation of America, LabCorp
Classification: Benign. Last evaluated: 2026-01-22. Review status: criteria provided, single submitter. Criteria: LabCorp Variant Classification Summary - May 2015. Collection method: clinical testing. Allele origin: germline.

Mayo Clinic Laboratories, Mayo Clinic
Classification: Benign. Last evaluated: 2025-02-23. Review status: criteria provided, single submitter. Criteria: ACMG Guidelines, 2015. Collection method: clinical testing. Allele origin: germline. Observed: 2 variant alleles.

Fulgent Genetics
Classification: Benign for Hyper-IgE recurrent infection syndrome 3, autosomal recessive. Last evaluated: 2022-01-28. Review status: criteria provided, single submitter. Criteria: ACMG Guidelines, 2015. Collection method: clinical testing. Allele origin: unknown.

Breakthrough Genomics
Classification: Benign. Review status: criteria provided, single submitter. Criteria: ACMG Guidelines, 2015. Collection method: not provided. Allele origin: germline. Inheritance: Autosomal recessive inheritance. Affected: yes.

PreventionGenetics, part of Exact Sciences
Classification: Benign for ZNF341-related condition. Last evaluated: 2019-02-26. Review status: no assertion criteria provided. Collection method: clinical testing. Allele origin: germline. Not counted in ClinVar's aggregate classification.
Comment: This variant is classified as benign based on ACMG/AMP sequence variant interpretation guidelines (Richards et al. 2015 PMID: 25741868, with internal and published modifications).